The following is an entry in ClinVar:

ClinVar aggregate classification (germline): Uncertain significance. Review status: criteria provided, multiple submitters, no conflicts (2 of 4 stars). 2 submissions from 2 submitters: Uncertain significance (2). Last evaluated 2025-06-18.

Conditions:
46,XY sex reversal 6. Also called: 46,XY GONADAL DYSGENESIS, PARTIAL OR COMPLETE, MAP3K1-RELATED; 46,XY SEX REVERSAL, PARTIAL OR COMPLETE, MAP3K1-RELATED. Identifiers: MedGen C3151064, MONDO:0013410, OMIM 613762.
Inborn genetic diseases. Identifiers: MedGen C0950123, MeSH D030342.

gnomAD v4.1: 7 of 1,613,924 alleles (0.00043%); highest among the groups gnomAD compares: Non-Finnish European, 0.00059%; no homozygotes.

Submissions (2):

Ambry Genetics
Classification: Uncertain significance for Inborn genetic diseases. Last evaluated: 2025-06-18. Review status: criteria provided, single submitter. Criteria: Ambry Variant Classification Scheme 2023. Collection method: clinical testing. Allele origin: germline.

Labcorp Genetics (formerly Invitae), Labcorp
Classification: Uncertain significance for 46,XY sex reversal 6. Last evaluated: 2025-03-18. Review status: criteria provided, single submitter. Criteria: Invitae Variant Classification Sherloc (09022015). Collection method: clinical testing. Allele origin: germline.
Comment: This sequence change replaces glutamine, which is neutral and polar, with glutamic acid, which is acidic and polar, at codon 548 of the MAP3K1 protein (p.Gln548Glu). This variant is not present in population databases (gnomAD no frequency). This variant has not been reported in the literature in individuals affected with MAP3K1-related conditions. Invitae Evidence Modeling of protein sequence and biophysical properties (such as structural, functional, and spatial information, amino acid conservation, physicochemical variation, residue mobility, and thermodynamic stability) has been performed for this missense variant. However, the output from this modeling did not meet the statistical confidence thresholds required to predict the impact of this variant on MAP3K1 protein function. In summary, the available evidence is currently insufficient to determine the role of this variant in disease. Therefore, it has been classified as a Variant of Uncertain Significance.

NM_005921.2(MAP3K1):c.1642C>G (p.Gln548Glu)

Gene: MAP3K1 (mitogen-activated protein kinase kinase kinase 1; plus strand). Cytogenetic location: 5q11.2.
Variant type: single nucleotide variant.
Coding change: c.1642C>G on transcript NM_005921.2 (MANE Select); coding-DNA position 1642, C replaced by G.
Protein change: p.Gln548Glu; replaces glutamine 548 with glutamic acid.
Molecular consequence: missense variant.
Genome position (GRCh38, 1-based): chr5:56,872,961, C>G. VCF-style: chr5-56872961-C-G. GRCh37 (hg19) VCF-style: chr5-56168788-C-G.
Other names: short protein forms Q548E.
Identifiers: ClinVar variation 4103174 (VCV004103174.2).